The following is an entry in ClinVar:

ClinVar aggregate classification (germline): Uncertain significance. Review status: criteria provided, multiple submitters, no conflicts (2 of 4 stars). 2 submissions from 2 submitters: Uncertain significance (2). Last evaluated 2023-01-06.

Conditions:
Pheochromocytoma/paraganglioma syndrome 5. Also called: Paragangliomas 5; SDHA-Related Hereditary Paraganglioma-Pheochromocytoma Syndrome. Identifiers: Orphanet 29072, MedGen C3279992, MONDO:0013602, OMIM 614165.
Mitochondrial complex II deficiency, nuclear type 1. Also called: SUCCINATE CoQ REDUCTASE DEFICIENCY. Identifiers: Orphanet 3208, MedGen C5700310, MONDO:0100294, OMIM 252011.
Hereditary cancer-predisposing syndrome. Also called: Tumor predisposition; Hereditary neoplastic syndrome; Neoplastic Syndromes, Hereditary; Hereditary Cancer Syndrome. Identifiers: Orphanet 140162, MedGen C0027672, MeSH D009386, MONDO:0015356.

Submissions (2):

Labcorp Genetics (formerly Invitae), Labcorp
Classification: Uncertain significance for Pheochromocytoma/paraganglioma syndrome 5; Mitochondrial complex II deficiency, nuclear type 1. Last evaluated: 2023-01-06. Review status: criteria provided, single submitter. Criteria: Invitae Variant Classification Sherloc (09022015). Collection method: clinical testing. Allele origin: germline.
Comment: In summary, the available evidence is currently insufficient to determine the role of this variant in disease. Therefore, it has been classified as a Variant of Uncertain Significance. Advanced modeling of protein sequence and biophysical properties (such as structural, functional, and spatial information, amino acid conservation, physicochemical variation, residue mobility, and thermodynamic stability) performed at Invitae indicates that this missense variant is not expected to disrupt SDHA protein function. ClinVar contains an entry for this variant (Variation ID: 819264). This variant has not been reported in the literature in individuals affected with SDHA-related conditions. This variant is not present in population databases (gnomAD no frequency). This sequence change replaces proline, which is neutral and non-polar, with leucine, which is neutral and non-polar, at codon 486 of the SDHA protein (p.Pro486Leu).

Ambry Genetics
Classification: Uncertain significance for Hereditary cancer-predisposing syndrome. Last evaluated: 2019-03-14. Review status: criteria provided, single submitter. Criteria: Ambry Variant Classification Scheme 2023. Collection method: clinical testing. Allele origin: germline.
Comment: The p.P486L variant (also known as c.1457C>T), located in coding exon 11 of the SDHA gene, results from a C to T substitution at nucleotide position 1457. The proline at codon 486 is replaced by leucine, an amino acid with similar properties. This amino acid position is not well conserved in available vertebrate species. In addition, this alteration is predicted to be tolerated by in silico analysis. Since supporting evidence is limited at this time, the clinical significance of this alteration remains unclear.

NM_004168.4(SDHA):c.1457C>T (p.Pro486Leu)

Gene: SDHA (succinate dehydrogenase complex flavoprotein subunit A; plus strand). Cytogenetic location: 5p15.33.
Variant type: single nucleotide variant.
Coding change: c.1457C>T on transcript NM_004168.4 (MANE Select); coding-DNA position 1457, C replaced by T.
Protein change: p.Pro486Leu; replaces proline 486 with leucine.
Molecular consequence: missense variant.
Genome position (GRCh38, 1-based): chr5:240,382, C>T. VCF-style: chr5-240382-C-T. GRCh37 (hg19) VCF-style: chr5-240497-C-T.
Other names: c.1313C>T, p.Pro438Leu (NM_001294332.2); c.1457C>T, p.Pro486Leu (NM_001330758.2); short protein forms P438L, P486L.
Identifiers: ClinVar variation 819264 (VCV000819264.12), dbSNP rs1579417528, ClinGen allele CA359014209.